The following is an entry in ClinVar:

NC_000021.8:g.(?_38126547)_(38139606_?)del

Gene: HLCS (holocarboxylase synthetase; minus strand). Cytogenetic location: 21q22.13.
Variant type: Deletion.
Identifiers: ClinVar variation 2423040 (VCV002423040.3).

ClinVar aggregate classification (germline): Likely pathogenic (1 of 4 stars; one submission).

Conditions:
Holocarboxylase synthetase deficiency. Also called: MULTIPLE CARBOXYLASE DEFICIENCY, EARLY ONSET. Identifiers: Orphanet 79242, MedGen C0268581, MONDO:0009666, OMIM 253270.

Submission:

Labcorp Genetics (formerly Invitae), Labcorp
Classification: Likely pathogenic for Holocarboxylase synthetase deficiency. Last evaluated: 2022-04-11. Review status: criteria provided, single submitter. Criteria: Invitae Variant Classification Sherloc (09022015). Collection method: clinical testing. Allele origin: germline.
Comment: This variant is a gross deletion of the genomic region encompassing exon(s) 8-12 of the HLCS gene, which includes the termination codon. This deletion extends beyond the assayed region for this gene and therefore may encompass additional genes. While this deletion is not anticipated to lead to nonsense mediated decay, it is expected to alter mRNA translation or result in a truncated protein product. This variant has not been reported in the literature in individuals affected with HLCS-related conditions. This variant disrupts the p.Val550 amino acid residue in HLCS. Other variant(s) that disrupt this residue have been determined to be pathogenic (PMID: 9396568, 10068510, 12124727, 12633764, 24099927). This suggests that this residue is clinically significant, and that variants that disrupt this residue are likely to be disease-causing. In summary, the currently available evidence indicates that the variant is pathogenic, but additional data are needed to prove that conclusively. Therefore, this variant has been classified as Likely Pathogenic.

Literature cited by the submitters: PubMed 9396568; PubMed 10068510; PubMed 12124727; PubMed 12633764; PubMed 24099927.